The following is an entry in ClinVar:

NM_152384.3(BBS5):c.536C>T (p.Thr179Ile)

Gene: BBS5 (Bardet-Biedl syndrome 5; plus strand). Cytogenetic location: 2q31.1.
Variant type: single nucleotide variant.
Coding change: c.536C>T on transcript NM_152384.3 (MANE Select); coding-DNA position 536, C replaced by T.
Protein change: p.Thr179Ile; replaces threonine 179 with isoleucine.
Molecular consequence: missense variant.
Genome position (GRCh38, 1-based): chr2:169,493,754, C>T. VCF-style: chr2-169493754-C-T. GRCh37 (hg19) VCF-style: chr2-170350264-C-T.
Other names: c.536C>T (NM_152384.2); short protein forms T179I.
Identifiers: ClinVar variation 1059479 (VCV001059479.7), dbSNP rs1272114286, ClinGen allele CA349164957.

ClinVar aggregate classification (germline): Uncertain significance. Review status: criteria provided, single submitter (1 of 4 stars). 2 submissions from 2 submitters: Uncertain significance (1). 1 of the submissions does not count toward it. Last evaluated 2021-08-31.

Conditions:
Bardet-Biedl syndrome (BBS). Identifiers: Orphanet 110, MedGen C0752166, MONDO:0015229.
BBS5-related disorder. Also called: BBS5-related condition.

Allele frequency attached by ClinVar (database versions not stated): gnomAD exomes below 0.00001.
gnomAD v4.1: 10 of 1,611,330 alleles (0.00062%); highest among the groups gnomAD compares: East Asian, 0.0022%; no homozygotes.

Submissions (2):

Labcorp Genetics (formerly Invitae), Labcorp
Classification: Uncertain significance for Bardet-Biedl syndrome. Last evaluated: 2021-08-31. Review status: criteria provided, single submitter. Criteria: Invitae Variant Classification Sherloc (09022015). Collection method: clinical testing. Allele origin: germline.
Comment: This sequence change replaces threonine with isoleucine at codon 179 of the BBS5 protein (p.Thr179Ile). The threonine residue is highly conserved and there is a moderate physicochemical difference between threonine and isoleucine. This variant is not present in population databases (ExAC no frequency). This variant has not been reported in the literature in individuals affected with BBS5-related conditions. Algorithms developed to predict the effect of missense changes on protein structure and function are either unavailable or do not agree on the potential impact of this missense change (SIFT: "Deleterious"; PolyPhen-2: "Probably Damaging"; Align-GVGD: "Class C0"). In summary, the available evidence is currently insufficient to determine the role of this variant in disease. Therefore, it has been classified as a Variant of Uncertain Significance.

PreventionGenetics, part of Exact Sciences
Classification: Uncertain significance for BBS5-related condition. Last evaluated: 2024-08-28. Review status: no assertion criteria provided. Collection method: clinical testing. Allele origin: germline. Not counted in ClinVar's aggregate classification.
Comment: The BBS5 c.536C>T variant is predicted to result in the amino acid substitution p.Thr179Ile. To our knowledge, this variant has not been reported in the literature. This variant is reported in 0.0046% of alleles in individuals of European (Finnish) descent in gnomAD. At this time, the clinical significance of this variant is uncertain due to the absence of conclusive functional and genetic evidence.